The following is an entry in ClinVar:

NM_198252.3(GSN):c.753+2T>A

Gene: GSN (gelsolin; plus strand). Cytogenetic location: 9q33.2.
Variant type: single nucleotide variant.
Coding change: c.753+2T>A on transcript NM_198252.3 (MANE Select); the canonical splice donor site of the intron after coding-DNA position 753, T replaced by A.
Molecular consequence: splice donor variant.
Genome position (GRCh38, 1-based): chr9:121,314,025, T>A. VCF-style: chr9-121314025-T-A. GRCh37 (hg19) VCF-style: chr9-124076303-T-A.
Other names: c.753+2T>A (NM_001353054.1, NM_001353053.1, NM_001353060.2 and 10 more transcripts); c.786+2T>A (NM_001353064.2, NM_001353066.2, NM_001353073.2 and 13 more transcripts); c.861+2T>A (NM_001127663.2); c.825+2T>A (NM_001353076.2); c.99+2T>A (NM_001353078.2); c.804+2T>A (NM_001258029.2); c.777+2T>A (NM_001258030.2); c.906+2T>A (NM_000177.5).
Identifiers: ClinVar variation 1995375 (VCV001995375.4), dbSNP rs1235174043, ClinGen allele CA374742646.

ClinVar aggregate classification (germline): Uncertain significance (1 of 4 stars; one submission).

Allele frequency attached by ClinVar (database versions not stated): gnomAD exomes 0.00001.
gnomAD v4.1: 18 of 1,609,584 alleles (0.0011%); highest among the groups gnomAD compares: Non-Finnish European, 0.0015%; no homozygotes.

Submission:

Labcorp Genetics (formerly Invitae), Labcorp
Classification: Uncertain significance. Last evaluated: 2022-05-17. Review status: criteria provided, single submitter. Criteria: Invitae Variant Classification Sherloc (09022015). Collection method: clinical testing. Allele origin: germline.
Comment: This variant has not been reported in the literature in individuals affected with GSN-related conditions. This variant is present in population databases (no rsID available, gnomAD 0.0009%). This sequence change affects a donor splice site in intron 6 of the GSN gene. It is expected to disrupt RNA splicing. Variants that disrupt the donor or acceptor splice site typically lead to a loss of protein function (PMID: 16199547), however the current clinical and genetic evidence is not sufficient to establish whether loss-of-function variants in GSN cause disease. Algorithms developed to predict the effect of sequence changes on RNA splicing suggest that this variant may disrupt the consensus splice site. In summary, the available evidence is currently insufficient to determine the role of this variant in disease. Therefore, it has been classified as a Variant of Uncertain Significance.

Literature cited by the submitters: PubMed 16199547.